The following is an entry in ClinVar:

ClinVar aggregate classification (germline): Likely benign (0 of 4 stars; one submission).

Conditions:
ACMSD-related disorder. Also called: ACMSD-related condition.

gnomAD v4.1: 21 of 1,612,266 alleles (0.0013%); highest among the groups gnomAD compares: South Asian, 0.0077%; no homozygotes.

Submission:

PreventionGenetics, part of Exact Sciences
Classification: Likely benign for ACMSD-related condition. Last evaluated: 2019-04-09. Review status: no assertion criteria provided. Collection method: clinical testing. Allele origin: germline.
Comment: This variant is classified as likely benign based on ACMG/AMP sequence variant interpretation guidelines (Richards et al. 2015 PMID: 25741868, with internal and published modifications).

NM_138326.3(ACMSD):c.486+10G>A

Gene: ACMSD (aminocarboxymuconate semialdehyde decarboxylase; plus strand). Cytogenetic location: 2q21.3.
Variant type: single nucleotide variant.
Coding change: c.486+10G>A on transcript NM_138326.3 (MANE Select); 10 bases into the intron after coding-DNA position 486, G replaced by A.
Molecular consequence: intron variant.
Genome position (GRCh38, 1-based): chr2:134,863,641, G>A. VCF-style: chr2-134863641-G-A. GRCh37 (hg19) VCF-style: chr2-135621211-G-A.
Other names: c.312+10G>A (NM_001307983.2).
Identifiers: ClinVar variation 3058017 (VCV003058017.2), dbSNP rs774566936, ClinGen allele CA1882739.